The following is an entry in ClinVar:

NM_004336.5(BUB1):c.1511T>G (p.Phe504Cys)

Gene: BUB1 (BUB1 mitotic checkpoint serine/threonine kinase; minus strand). Cytogenetic location: 2q13.
Variant type: single nucleotide variant.
Coding change: c.1511T>G on transcript NM_004336.5 (MANE Select); coding-DNA position 1511, T replaced by G.
Protein change: p.Phe504Cys; replaces phenylalanine 504 with cysteine.
Molecular consequence: missense variant.
Genome position (GRCh38, 1-based): chr2:110,658,415, A>C on the plus strand (T>G on the coding strand, the complement: BUB1 is on the minus strand). VCF-style: chr2-110658415-A-C. GRCh37 (hg19) VCF-style: chr2-111415992-A-C.
Other names: c.1451T>G, p.Phe484Cys (NM_001278616.2); c.1511T>G, p.Phe504Cys (NM_001278617.2); short protein forms F504C, F484C.
Identifiers: ClinVar variation 3483051 (VCV003483051.1).

ClinVar aggregate classification (germline): Uncertain significance (1 of 4 stars; one submission).

Submission:

Ambry Genetics
Classification: Uncertain significance. Last evaluated: 2024-08-22. Review status: criteria provided, single submitter. Criteria: Ambry Variant Classification Scheme 2023. Collection method: clinical testing. Allele origin: germline.
Comment: The p.F504C variant (also known as c.1511T>G), located in coding exon 13 of the BUB1 gene, results from a T to G substitution at nucleotide position 1511. The phenylalanine at codon 504 is replaced by cysteine, an amino acid with highly dissimilar properties. This amino acid position is conserved. In addition, the in silico prediction for this alteration is inconclusive. Based on the available evidence, the clinical significance of this variant remains unclear.